The following is an entry in ClinVar:

NM_004104.5(FASN):c.2722G>C (p.Glu908Gln)

Gene: FASN (fatty acid synthase; minus strand). Cytogenetic location: 17q25.3.
Variant type: single nucleotide variant.
Coding change: c.2722G>C on transcript NM_004104.5 (MANE Select); coding-DNA position 2722, G replaced by C.
Protein change: p.Glu908Gln; replaces glutamic acid 908 with glutamine.
Molecular consequence: missense variant.
Genome position (GRCh38, 1-based): chr17:82,088,179, C>G on the plus strand (G>C on the coding strand, the complement: FASN is on the minus strand). VCF-style: chr17-82088179-C-G. GRCh37 (hg19) VCF-style: chr17-80046055-C-G.
Other names: short protein forms E908Q.
Identifiers: ClinVar variation 649402 (VCV000649402.1), dbSNP rs764010871, ClinGen allele CA401555905.

ClinVar aggregate classification (germline): Uncertain significance (1 of 4 stars; one submission).

Conditions:
Epileptic encephalopathy. Identifiers: MedGen C0543888, HP:0200134.

Submission:

Labcorp Genetics (formerly Invitae), Labcorp
Classification: Uncertain significance for Epileptic encephalopathy. Last evaluated: 2018-11-28. Review status: criteria provided, single submitter. Criteria: Invitae Variant Classification Sherloc (09022015). Collection method: clinical testing. Allele origin: germline.
Comment: This sequence change replaces glutamic acid with glutamine at codon 908 of the FASN protein (p.Glu908Gln). The glutamic acid residue is moderately conserved and there is a small physicochemical difference between glutamic acid and glutamine. This variant is not present in population databases (ExAC no frequency). This variant has not been reported in the literature in individuals with FASN-related conditions. Algorithms developed to predict the effect of missense changes on protein structure and function (SIFT, PolyPhen-2, Align-GVGD) all suggest that this variant is likely to be tolerated, but these predictions have not been confirmed by published functional studies and their clinical significance is uncertain. In summary, the available evidence is currently insufficient to determine the role of this variant in disease. Therefore, it has been classified as a Variant of Uncertain Significance.